The following is an entry in ClinVar:

ClinVar aggregate classification (germline): Pathogenic (1 of 4 stars; one submission).

Submission:

GeneDx
Classification: Pathogenic. Last evaluated: 2022-09-19. Review status: criteria provided, single submitter. Criteria: GeneDx Variant Classification Process June 2021. Collection method: clinical testing. Allele origin: germline. Affected: yes.
Comment: Frameshift variant predicted to result in protein truncation or nonsense mediated decay in a gene or region of a gene for which loss of function is a known mechanism of disease.; Not observed at significant frequency in large population cohorts (gnomAD); Has not been previously published as pathogenic or benign to our knowledge

NM_000719.7(CACNA1C):c.5897dup (p.Gln1967fs)

Genes: CACNA1C (calcium voltage-gated channel subunit alpha1 C; plus strand), CACNA1C-AS1 (CACNA1C antisense RNA 1; minus strand). Cytogenetic location: 12p13.33.
Variant type: Duplication.
Coding change: c.5897dup on transcript NM_000719.7 (MANE Select); coding-DNA position 5897, one base duplicated (C; older notation c.5897dupC).
Protein change: p.Gln1967fs; shifts the reading frame from glutamine 1967.
Molecular consequence: frameshift variant.
Genome position (GRCh38, 1-based): chr12:2,688,559, C duplicated; the last of 5 consecutive C bases (chr12:2,688,555-2,688,559); duplicating any one gives the same sequence. VCF-style (leftmost placement, unchanged base first): chr12-2688554-G-GC. GRCh37 (hg19) VCF-style: chr12-2797720-G-GC.
Other names: c.6041dup, p.Gln2015fs (NM_001129827.2); c.6020dup, p.Gln2008fs (NM_001129829.2); c.6002dup, p.Gln2002fs (NM_001129830.3, NM_001167624.3); c.5981dup, p.Gln1995fs (NM_001129831.2); c.5957dup, p.Gln1987fs (NM_001129832.2); c.5954dup, p.Gln1986fs (NM_001129833.2, NM_001129834.2, NM_001129835.2); c.5948dup, p.Gln1984fs (NM_001129836.2); c.5921dup, p.Gln1975fs (NM_001129837.2, NM_001129838.2); and 6 more; short protein forms Q1956fs, Q1964fs, Q1967fs, Q1973fs, Q1975fs, Q1984fs, Q1986fs, Q1987fs.
Identifiers: ClinVar variation 1712194 (VCV001712194.2), dbSNP rs2534839540, ClinGen allele CA2580085134.